The following is an entry in ClinVar:

NM_000435.3(NOTCH3):c.2641G>A (p.Gly881Ser)

Gene: NOTCH3 (notch receptor 3; minus strand). Cytogenetic location: 19p13.12.
Variant type: single nucleotide variant.
Coding change: c.2641G>A on transcript NM_000435.3 (MANE Select); coding-DNA position 2641, G replaced by A.
Protein change: p.Gly881Ser; replaces glycine 881 with serine.
Molecular consequence: missense variant.
Genome position (GRCh38, 1-based): chr19:15,181,727, C>T on the plus strand (G>A on the coding strand, the complement: NOTCH3 is on the minus strand). VCF-style: chr19-15181727-C-T. GRCh37 (hg19) VCF-style: chr19-15292538-C-T.
Other names: short protein forms G881S.
Identifiers: ClinVar variation 1478706 (VCV001478706.8), dbSNP rs1436528088, ClinGen allele CA404517439.

ClinVar aggregate classification (germline): Uncertain significance (1 of 4 stars; one submission).

Allele frequency attached by ClinVar (database versions not stated): gnomAD exomes below 0.00001.
gnomAD v4.1: 1 of 1,572,422 alleles (0.000064%); highest among the groups gnomAD compares: Non-Finnish European, 0.000086%; no homozygotes.

Submission:

Labcorp Genetics (formerly Invitae), Labcorp
Classification: Uncertain significance. Last evaluated: 2021-02-18. Review status: criteria provided, single submitter. Criteria: Invitae Variant Classification Sherloc (09022015). Collection method: clinical testing. Allele origin: germline.
Comment: In summary, the available evidence is currently insufficient to determine the role of this variant in disease. Therefore, it has been classified as a Variant of Uncertain Significance. Algorithms developed to predict the effect of sequence changes on RNA splicing suggest that this variant may create or strengthen a splice site, but this prediction has not been confirmed by published transcriptional studies. Algorithms developed to predict the effect of missense changes on protein structure and function (SIFT, PolyPhen-2, Align-GVGD) all suggest that this variant is likely to be disruptive, but these predictions have not been confirmed by published functional studies and their clinical significance is uncertain. This variant has not been reported in the literature in individuals with NOTCH3-related conditions. This variant is not present in population databases (ExAC no frequency). This sequence change replaces glycine with serine at codon 881 of the NOTCH3 protein (p.Gly881Ser). The glycine residue is highly conserved and there is a small physicochemical difference between glycine and serine.